The following is an entry in ClinVar:

NM_006947.4(SRP72):c.1823G>A (p.Gly608Glu)

Gene: SRP72 (signal recognition particle 72; plus strand). Cytogenetic location: 4q12.
Variant type: single nucleotide variant.
Coding change: c.1823G>A on transcript NM_006947.4 (MANE Select); coding-DNA position 1823, G replaced by A.
Protein change: p.Gly608Glu; replaces glycine 608 with glutamic acid.
Molecular consequence: missense variant. On other transcripts: non-coding transcript variant (1).
Genome position (GRCh38, 1-based): chr4:56,500,680, G>A. VCF-style: chr4-56500680-G-A. GRCh37 (hg19) VCF-style: chr4-57366846-G-A.
Other names: c.1640G>A, p.Gly547Glu (NM_001267722.2); short protein forms G608E, G547E.
Identifiers: ClinVar variation 4589619 (VCV004589619.1).

ClinVar aggregate classification (germline): Uncertain significance (1 of 4 stars; one submission).

Submission:

Ambry Genetics
Classification: Uncertain significance. Last evaluated: 2025-11-05. Review status: criteria provided, single submitter. Criteria: Ambry Variant Classification Scheme 2023. Collection method: clinical testing. Allele origin: germline.
Comment: The p.G608E variant (also known as c.1823G>A), located in coding exon 18 of the SRP72 gene, results from a G to A substitution at nucleotide position 1823. The glycine at codon 608 is replaced by glutamic acid, an amino acid with similar properties. This amino acid position is conserved. In addition, this alteration is predicted to be tolerated by in silico analysis. Based on the available evidence, the clinical significance of this variant remains unclear.